The following is an entry in ClinVar:

NM_004273.5(CHST3):c.1420G>A (p.Gly474Ser)

Gene: CHST3 (carbohydrate sulfotransferase 3; plus strand). Cytogenetic location: 10q22.1.
Variant type: single nucleotide variant.
Coding change: c.1420G>A on transcript NM_004273.5 (MANE Select); coding-DNA position 1420, G replaced by A.
Protein change: p.Gly474Ser; replaces glycine 474 with serine.
Molecular consequence: missense variant.
Genome position (GRCh38, 1-based): chr10:72,008,451, G>A. VCF-style: chr10-72008451-G-A. GRCh37 (hg19) VCF-style: chr10-73768209-G-A.
Other names: short protein forms G474S.
Identifiers: ClinVar variation 1995092 (VCV001995092.3), dbSNP rs1316281967, ClinGen allele CA377153317.

ClinVar aggregate classification (germline): Uncertain significance (1 of 4 stars; one submission).

Conditions:
Spondyloepiphyseal dysplasia with congenital joint dislocations (SEDCJD). Also called: Chondrodysplasia with Congenital Joint Dislocations, CHST3-Related. Identifiers: Orphanet 263463, MedGen C1837657, MONDO:0007738, OMIM 143095.

Allele frequency attached by ClinVar (database versions not stated): gnomAD exomes 0.00001.
gnomAD v4.1: 10 of 1,560,684 alleles (0.00064%); highest among the groups gnomAD compares: Admixed American, 0.0019%; no homozygotes.

Submission:

Labcorp Genetics (formerly Invitae), Labcorp
Classification: Uncertain significance for Spondyloepiphyseal dysplasia with congenital joint dislocations. Last evaluated: 2022-05-16. Review status: criteria provided, single submitter. Criteria: Invitae Variant Classification Sherloc (09022015). Collection method: clinical testing. Allele origin: germline.
Comment: This sequence change replaces glycine, which is neutral and non-polar, with serine, which is neutral and polar, at codon 474 of the CHST3 protein (p.Gly474Ser). The frequency data for this variant in the population databases is considered unreliable, as metrics indicate poor data quality at this position in the gnomAD database. This variant has not been reported in the literature in individuals affected with CHST3-related conditions. Algorithms developed to predict the effect of missense changes on protein structure and function (SIFT, PolyPhen-2, Align-GVGD) all suggest that this variant is likely to be tolerated. In summary, the available evidence is currently insufficient to determine the role of this variant in disease. Therefore, it has been classified as a Variant of Uncertain Significance.